The following is an entry in ClinVar:

ClinVar aggregate classification (germline): Uncertain significance. Review status: criteria provided, multiple submitters, no conflicts (2 of 4 stars). 2 submissions from 2 submitters: Uncertain significance (2). Last evaluated 2026-07-11.

Conditions:
Neutropenia, severe congenital, 2, autosomal dominant. Identifiers: Orphanet 486, MedGen C2751288, MONDO:0013139, OMIM 613107.

gnomAD v4.1: 7 of 1,606,188 alleles (0.00044%); highest among the groups gnomAD compares: Non-Finnish European, 0.0006%; no homozygotes.

Submissions (2):

Ambry Genetics
Classification: Uncertain significance. Last evaluated: 2026-07-11. Review status: criteria provided, single submitter. Criteria: Ambry Variant Classification Scheme 2023. Collection method: clinical testing. Allele origin: germline.
Comment: The p.A34V variant (also known as c.101C>T), located in coding exon 1 of the GFI1 gene, results from a C to T substitution at nucleotide position 101. The alanine at codon 34 is replaced by valine, an amino acid with similar properties. This amino acid position is conserved. In addition, this alteration is predicted to be tolerated by in silico analysis. Based on the available evidence, the clinical significance of this variant remains unclear.

Labcorp Genetics (formerly Invitae), Labcorp
Classification: Uncertain significance for Neutropenia, severe congenital, 2, autosomal dominant. Last evaluated: 2024-12-06. Review status: criteria provided, single submitter. Criteria: Invitae Variant Classification Sherloc (09022015). Collection method: clinical testing. Allele origin: germline.
Comment: This sequence change replaces alanine, which is neutral and non-polar, with valine, which is neutral and non-polar, at codon 34 of the GFI1 protein (p.Ala34Val). This variant is not present in population databases (gnomAD no frequency). This variant has not been reported in the literature in individuals affected with GFI1-related conditions. Invitae Evidence Modeling of protein sequence and biophysical properties (such as structural, functional, and spatial information, amino acid conservation, physicochemical variation, residue mobility, and thermodynamic stability) indicates that this missense variant is not expected to disrupt GFI1 protein function with a negative predictive value of 80%. In summary, the available evidence is currently insufficient to determine the role of this variant in disease. Therefore, it has been classified as a Variant of Uncertain Significance.

NM_005263.5(GFI1):c.101C>T (p.Ala34Val)

Gene: GFI1 (growth factor independent 1 transcriptional repressor; minus strand). Cytogenetic location: 1p22.1.
Variant type: single nucleotide variant.
Coding change: c.101C>T on transcript NM_005263.5 (MANE Select); coding-DNA position 101, C replaced by T.
Protein change: p.Ala34Val; replaces alanine 34 with valine.
Molecular consequence: missense variant.
Genome position (GRCh38, 1-based): chr1:92,483,387, G>A on the plus strand (C>T on the coding strand, the complement: GFI1 is on the minus strand). VCF-style: chr1-92483387-G-A. GRCh37 (hg19) VCF-style: chr1-92948944-G-A.
Other names: c.101C>T, p.Ala34Val (NM_001127215.3, NM_001127216.3); short protein forms A34V.
Identifiers: ClinVar variation 3672654 (VCV003672654.3).